The following is an entry in ClinVar:

ClinVar aggregate classification (germline): Uncertain significance (1 of 4 stars; one submission).

Conditions:
Emery-Dreifuss muscular dystrophy 5, autosomal dominant (EDMD5). Also called: EMERY-DREIFUSS MUSCULAR DYSTROPHY 5. Identifiers: Orphanet 261, MedGen C2751805, MONDO:0013072, OMIM 612999.

Allele frequency attached by ClinVar (database versions not stated): ExAC 0.00001; gnomAD 0.00001 and 0.00002; gnomAD exomes 0.00001; TOPMed 0.00001; 1000 Genomes Project 30x 0.00016; 1000 Genomes Project 0.00020.
gnomAD v4.1: 11 of 1,613,842 alleles (0.00068%); highest among the groups gnomAD compares: South Asian, 0.0077%; no homozygotes.

Submission:

Labcorp Genetics (formerly Invitae), Labcorp
Classification: Uncertain significance for Emery-Dreifuss muscular dystrophy 5, autosomal dominant. Last evaluated: 2025-10-02. Review status: criteria provided, single submitter. Criteria: Invitae Variant Classification Sherloc (09022015). Collection method: clinical testing. Allele origin: germline.
Comment: This sequence change replaces arginine, which is basic and polar, with histidine, which is basic and polar, at codon 3260 of the SYNE2 protein (p.Arg3260His). This variant is present in population databases (rs532861539, gnomAD 0.007%). This variant has not been reported in the literature in individuals affected with SYNE2-related conditions. ClinVar contains an entry for this variant (Variation ID: 1524632). An algorithm developed to predict the effect of missense changes on protein structure and function outputs the following: PolyPhen-2: "Benign". The histidine amino acid residue is found in multiple mammalian species, which suggests that this missense change does not adversely affect protein function. In summary, the available evidence is currently insufficient to determine the role of this variant in disease. Therefore, it has been classified as a Variant of Uncertain Significance.

NM_182914.3(SYNE2):c.9779G>A (p.Arg3260His)

Gene: SYNE2 (spectrin repeat containing nuclear envelope protein 2; plus strand). Cytogenetic location: 14q23.2.
Variant type: single nucleotide variant.
Coding change: c.9779G>A on transcript NM_182914.3 (MANE Select); coding-DNA position 9779, G replaced by A.
Protein change: p.Arg3260His; replaces arginine 3260 with histidine.
Molecular consequence: missense variant.
Genome position (GRCh38, 1-based): chr14:64,055,978, G>A. VCF-style: chr14-64055978-G-A. GRCh37 (hg19) VCF-style: chr14-64522696-G-A.
Other names: c.9779G>A, p.Arg3260His (NM_015180.6); short protein forms R3260H.
Identifiers: ClinVar variation 1524632 (VCV001524632.6), dbSNP rs532861539, ClinGen allele CA7221352.